The following is an entry in ClinVar:

ClinVar aggregate classification (germline): Benign/Likely benign. Review status: criteria provided, multiple submitters, no conflicts (2 of 4 stars). 4 submissions from 4 submitters: Benign (2); Likely benign (1). 1 of the submissions does not count toward it. Last evaluated 2024-11-27.

Conditions:
CWF19L1-related disorder. Also called: CWF19L1-related condition.
Autosomal recessive spinocerebellar ataxia 17. Identifiers: Orphanet 453521, MedGen C4015301, MONDO:0014503, OMIM 616127.

Allele frequency attached by ClinVar (database versions not stated): 1000 Genomes Project 30x 0.01530; 1000 Genomes Project 0.01558; gnomAD 0.02120; ESP Exome Variant Server 0.02176; ExAC 0.02404.
gnomAD v4.1: 42,237 of 1,613,552 alleles (2.6%); highest among the groups gnomAD compares: Middle Eastern, 4.3%; 636 homozygotes.

Submissions (4):

Blueprint Genetics
Classification: Likely benign. Last evaluated: 2024-11-27. Review status: criteria provided, single submitter. Criteria: ACMG Guidelines, 2015. Collection method: clinical testing. Allele origin: germline.

Molecular Genetics, Royal Melbourne Hospital
Classification: Benign for Autosomal recessive spinocerebellar ataxia 17. Last evaluated: 2023-05-04. Review status: criteria provided, single submitter. Criteria: ACMG Guidelines, 2015. Collection method: clinical testing. Allele origin: germline. Affected: yes.
Comment: European Non-Finnish population allele frequency is 2.395% (rs35490714, 881/25114 alleles, 13 homozygotes in gnomAD v2.1). Based on the classification scheme RMH Modified ACMG/AMP Guidelines v1.5.1, this variant is classified as BENIGN. Following criteria are met: BA1

Mayo Clinic Laboratories, Mayo Clinic
Classification: Benign. Last evaluated: 2023-01-17. Review status: criteria provided, single submitter. Criteria: ACMG Guidelines, 2015. Collection method: clinical testing. Allele origin: germline. Observed: 27 variant alleles.
Comment: BS1, BS2, BP4

PreventionGenetics, part of Exact Sciences
Classification: Benign for CWF19L1-related condition. Last evaluated: 2019-09-10. Review status: no assertion criteria provided. Collection method: clinical testing. Allele origin: germline. Not counted in ClinVar's aggregate classification.
Comment: This variant is classified as benign based on ACMG/AMP sequence variant interpretation guidelines (Richards et al. 2015 PMID: 25741868, with internal and published modifications).

NM_018294.6(CWF19L1):c.1568G>A (p.Arg523His)

Genes: CHUK-DT (CHUK divergent transcript; plus strand), CWF19L1 (CWF19 like cell cycle control factor 1; minus strand). Cytogenetic location: 10q24.31.
Variant type: single nucleotide variant.
Coding change: c.1568G>A on transcript NM_018294.6 (MANE Select); coding-DNA position 1568, G replaced by A.
Protein change: p.Arg523His; replaces arginine 523 with histidine.
Molecular consequence: missense variant. On other transcripts: non-coding transcript variant (2).
Genome position (GRCh38, 1-based): chr10:100,233,276, C>T on the plus strand (G>A on the coding strand, the complement: CWF19L1 is on the minus strand). VCF-style: chr10-100233276-C-T. GRCh37 (hg19) VCF-style: chr10-101993033-C-T.
Other names: p.Arg523His; c.1448G>A, p.Arg483His (NM_001303404.2); c.1157G>A, p.Arg386His (NM_001303405.2, NM_001303406.2); c.833G>A, p.Arg278His (NM_001303407.2); short protein forms R278H, R386H, R483H, R523H.
Identifiers: ClinVar variation 3056968 (VCV003056968.5), dbSNP rs35490714, ClinGen allele CA5646822.